The following is an entry in ClinVar:

ClinVar aggregate classification (germline): Likely pathogenic (1 of 4 stars; one submission).

Submission:

GeneDx
Classification: Likely pathogenic. Last evaluated: 2022-08-29. Review status: criteria provided, single submitter. Criteria: GeneDx Variant Classification Process June 2021. Collection method: clinical testing. Allele origin: germline. Affected: yes.
Comment: Identified in the heterozygous state in an individual with hereditary spastic paraplegia (Sanchez-Ferrero et al., 2013); Nonsense variant predicted to result in protein truncation or nonsense mediated decay in a gene for which loss-of-function is a known mechanism of disease; Not observed at significant frequency in large population cohorts (gnomAD); This variant is associated with the following publications: (PMID: 22571692)

NM_003119.4(SPG7):c.1987A>T (p.Lys663Ter)

Gene: SPG7 (SPG7 matrix AAA peptidase subunit, paraplegin; plus strand). Cytogenetic location: 16q24.3.
Variant type: single nucleotide variant.
Coding change: c.1987A>T on transcript NM_003119.4 (MANE Select); coding-DNA position 1987, A replaced by T.
Protein change: p.Lys663Ter; replaces lysine 663 with a stop codon.
Molecular consequence: nonsense.
Genome position (GRCh38, 1-based): chr16:89,553,844, A>T. VCF-style: chr16-89553844-A-T. GRCh37 (hg19) VCF-style: chr16-89620252-A-T.
Other names: c.1987A>T, p.Lys663Ter (NM_001363850.1); short protein forms K663*.
Identifiers: ClinVar variation 1700297 (VCV001700297.3), dbSNP rs2152412171, ClinGen allele CA397433876.